The following is an entry in ClinVar:

NM_001848.3(COL6A1):c.*87C>T

Gene: COL6A1 (collagen type VI alpha 1 chain; plus strand). Cytogenetic location: 21q22.3.
Variant type: single nucleotide variant.
Coding change: c.*87C>T on transcript NM_001848.3 (MANE Select); 87 bases downstream of the stop codon, C replaced by T.
Molecular consequence: 3 prime UTR variant.
Genome position (GRCh38, 1-based): chr21:46,004,100, C>T. VCF-style: chr21-46004100-C-T. GRCh37 (hg19) VCF-style: chr21-47424014-C-T.
Identifiers: ClinVar variation 340332 (VCV000340332.8), dbSNP rs115289817, ClinGen allele CA10644869.

ClinVar aggregate classification (germline): Benign/Likely benign. Review status: criteria provided, multiple submitters, no conflicts (2 of 4 stars). 2 submissions from 2 submitters: Benign (1); Likely benign (1). Last evaluated 2018-07-27.

Conditions:
Collagen 6-related myopathy. Identifiers: MedGen CN117976, MONDO:0100225.

Allele frequency attached by ClinVar (database versions not stated): gnomAD exomes 0.00098; 1000 Genomes Project 0.00998; gnomAD 0.01071 and 0.01156; 1000 Genomes Project 30x 0.01077; TOPMed 0.01198.
gnomAD v4.1: 3,013 of 1,533,632 alleles (0.2%); highest among the groups gnomAD compares: African/African-American, 3.8%; 51 homozygotes.

Submissions (2):

GeneDx
Classification: Likely benign. Last evaluated: 2018-07-27. Review status: criteria provided, single submitter. Criteria: GeneDx Variant Classification Process June 2021. Collection method: clinical testing. Allele origin: germline. Affected: yes.

Illumina Laboratory Services, Illumina
Classification: Benign for Collagen VI-related myopathy. Last evaluated: 2018-01-12. Review status: criteria provided, single submitter. Criteria: ICSL Variant Classification Criteria 13 December 2019. Collection method: clinical testing. Allele origin: germline.
Comment: This variant was observed in the ICSL laboratory as part of a predisposition screen in an ostensibly healthy population. It had not been previously curated by ICSL or reported in the Human Gene Mutation Database (HGMD: prior to June 1st, 2018), and was therefore a candidate for classification through an automated scoring system. Utilizing variant allele frequency, disease prevalence and penetrance estimates, and inheritance mode, an automated score was calculated to assess if this variant is too frequent to cause the disease. Based on the score and internal cut-off values, a variant classified as benign is not then subjected to further curation. The score for this variant resulted in a classification of benign for this disease.